The following is an entry in ClinVar:

ClinVar aggregate classification (germline): Uncertain significance (1 of 4 stars; one submission).

Submission:

Ambry Genetics
Classification: Uncertain significance. Last evaluated: 2024-04-26. Review status: criteria provided, single submitter. Criteria: Ambry Variant Classification Scheme 2023. Collection method: clinical testing. Allele origin: germline.
Comment: The p.V1103M variant (also known as c.3307G>A), located in coding exon 17 of the NPAT gene, results from a G to A substitution at nucleotide position 3307. The valine at codon 1103 is replaced by methionine, an amino acid with highly similar properties. This amino acid position is conserved. In addition, this alteration is predicted to be tolerated by in silico analysis. Based on the available evidence, the clinical significance of this variant remains unclear.

NM_002519.3(NPAT):c.3307G>A (p.Val1103Met)

Gene: NPAT (nuclear protein, coactivator of histone transcription; minus strand). Cytogenetic location: 11q22.3.
Variant type: single nucleotide variant.
Coding change: c.3307G>A on transcript NM_002519.3 (MANE Select); coding-DNA position 3307, G replaced by A.
Protein change: p.Val1103Met; replaces valine 1103 with methionine.
Molecular consequence: missense variant.
Genome position (GRCh38, 1-based): chr11:108,161,779, C>T on the plus strand (G>A on the coding strand, the complement: NPAT is on the minus strand). VCF-style: chr11-108161779-C-T. GRCh37 (hg19) VCF-style: chr11-108032506-C-T.
Other names: c.3328G>A, p.Val1110Met (NM_001321307.1); short protein forms V1110M, V1103M.
Identifiers: ClinVar variation 3300677 (VCV003300677.1).